The following is an entry in ClinVar:

NM_000393.5(COL5A2):c.151A>G (p.Arg51Gly)

Gene: COL5A2 (collagen type V alpha 2 chain; minus strand). Cytogenetic location: 2q32.2.
Variant type: single nucleotide variant.
Coding change: c.151A>G on transcript NM_000393.5 (MANE Select); coding-DNA position 151, A replaced by G.
Protein change: p.Arg51Gly; replaces arginine 51 with glycine.
Molecular consequence: missense variant.
Genome position (GRCh38, 1-based): chr2:189,110,396, T>C on the plus strand (A>G on the coding strand, the complement: COL5A2 is on the minus strand). VCF-style: chr2-189110396-T-C. GRCh37 (hg19) VCF-style: chr2-189975122-T-C.
Other names: short protein forms R51G.
Identifiers: ClinVar variation 4847530 (VCV004847530.1).

ClinVar aggregate classification (germline): Uncertain significance (1 of 4 stars; one submission).

Submission:

Women's Health and Genetics/Laboratory Corporation of America, LabCorp
Classification: Uncertain significance. Last evaluated: 2026-03-03. Review status: criteria provided, single submitter. Criteria: LabCorp Variant Classification Summary - May 2015. Collection method: clinical testing. Allele origin: germline.
Comment: Variant summary: COL5A2 c.151A>G (p.Arg51Gly) results in a non-conservative amino acid change in the encoded protein sequence. Algorithms developed to predict the effect of missense changes on protein structure and function are either unavailable or do not agree on the potential impact of this missense change. The variant was absent in 251332 control chromosomes. The available data on variant occurrences in the general population are insufficient to allow any conclusion about variant significance. To our knowledge, no occurrence of c.151A>G in individuals affected with COL5A2-related conditions and no experimental evidence demonstrating its impact on protein function have been reported. No submitters have cited clinical-significance assessments for this variant to ClinVar. Based on the evidence outlined above, the variant was classified as uncertain significance.